The following is an entry in ClinVar:

ClinVar aggregate classification (germline): Likely pathogenic (1 of 4 stars; one submission).

Conditions:
Intellectual developmental disorder, autosomal dominant 44, with microcephaly. Also called: Micrognathia-recurrent infections-behavioral abnormalities-mild intellectual disability syndrome; TRIO-Related Intellectual Disability. Identifiers: Orphanet 476126, MedGen C4310740, MONDO:0014892, OMIM 617061.
Intellectual developmental disorder, autosomal dominant 63, with macrocephaly. Also called: MENTAL RETARDATION, AUTOSOMAL DOMINANT 63, WITH MACROCEPHALY. Identifiers: MedGen C5394205, MONDO:0032939, OMIM 618825.

Submission:

Molecular Genetics Department, Kulakov National Medical Research Center for Obstetrics, Gynecology and Perinatology
Classification: Likely pathogenic for Intellectual developmental disorder, autosomal dominant 44, with microcephaly; Intellectual developmental disorder, autosomal dominant 63, with macrocephaly. Review status: criteria provided, single submitter. Criteria: ACMG Guidelines, 2015. Collection method: clinical testing. Allele origin: germline. Affected: yes. Observed: 1 variant allele.
Comment: A previously undescribed heterozygous nucleotide variant creates a premature translation stop signal p.Gln383Ter in the TRIO gene. Heterozygous variants leading to loss of full-length protein expression are reported in patients with intellectual developmental disorder, autosomal dominant 44, with microcephaly, 617061; Intellectual developmental disorder, autosomal dominant 63, with macrocephaly, 618825; congenital heart defects are also reported in some individuals [Gazdagh et al., 2023, PMID: 36987741]. The variant is not present in population database (gnomAD no frequency). In summary, the currently available evidence indicates that the variant is pathogenic, but additional data are needed to prove that conclusively. Therefore, this variant has been classified as likely pathogenic.

Literature cited by the submitters: PubMed 36987741.

NM_007118.4(TRIO):c.1147C>T (p.Gln383Ter)

Gene: TRIO (trio Rho guanine nucleotide exchange factor; plus strand). Cytogenetic location: 5p15.2.
Variant type: single nucleotide variant.
Coding change: c.1147C>T on transcript NM_007118.4 (MANE Select); coding-DNA position 1147, C replaced by T.
Protein change: p.Gln383Ter; replaces glutamine 383 with a stop codon.
Molecular consequence: nonsense. On other transcripts: non-coding transcript variant (1).
Genome position (GRCh38, 1-based): chr5:14,293,105, C>T. VCF-style: chr5-14293105-C-T. GRCh37 (hg19) VCF-style: chr5-14293214-C-T.
Other names: short protein forms Q383*.
Identifiers: ClinVar variation 4294516 (VCV004294516.1).